The following is an entry in ClinVar:

NM_022436.3(ABCG5):c.1828G>C (p.Glu610Gln)

Genes: DYNC2LI1 (dynein cytoplasmic 2 light intermediate chain 1; plus strand), ABCG5 (ATP binding cassette subfamily G member 5; minus strand). Cytogenetic location: 2p21.
Variant type: single nucleotide variant.
Coding change: c.1828G>C on transcript NM_022436.3 (MANE Select); coding-DNA position 1828, G replaced by C.
Protein change: p.Glu610Gln; replaces glutamic acid 610 with glutamine.
Molecular consequence: missense variant. On other transcripts: intron variant (2).
Genome position (GRCh38, 1-based): chr2:43,813,244, C>G on the plus strand (G>C on the coding strand, the complement: ABCG5 is on the minus strand). VCF-style: chr2-43813244-C-G. GRCh37 (hg19) VCF-style: chr2-44040383-C-G.
Other names: c.*15+2720C>G (NM_001348913.2, NM_001348912.2); short protein forms E610Q.
Identifiers: ClinVar variation 1780886 (VCV001780886.3), dbSNP rs750285438, ClinGen allele CA46449492.

ClinVar aggregate classification (germline): Uncertain significance. Review status: criteria provided, multiple submitters, no conflicts (2 of 4 stars). 2 submissions from 2 submitters: Uncertain significance (2). Last evaluated 2024-12-09.

Conditions:
Sitosterolemia 2. Identifiers: MedGen C5231453, MONDO:0020748, OMIM 618666.
Cardiovascular phenotype. Identifiers: MedGen CN230736.

Allele frequency attached by ClinVar (database versions not stated): gnomAD 0.00002; TOPMed 0.00001.
gnomAD v4.1: 6 of 1,613,804 alleles (0.00037%); highest among the groups gnomAD compares: African/African-American, 0.008%; no homozygotes.

Submissions (2):

Revvity Omics, Revvity
Classification: Uncertain significance for Sitosterolemia 2. Last evaluated: 2024-12-09. Review status: criteria provided, single submitter. Criteria: ACMG Guidelines, 2015. Collection method: clinical testing. Allele origin: germline.

Ambry Genetics
Classification: Uncertain significance for Cardiovascular phenotype. Last evaluated: 2022-09-28. Review status: criteria provided, single submitter. Criteria: Ambry Variant Classification Scheme 2023. Collection method: clinical testing. Allele origin: germline.
Comment: The p.E610Q variant (also known as c.1828G>C), located in coding exon 13 of the ABCG5 gene, results from a G to C substitution at nucleotide position 1828. The glutamic acid at codon 610 is replaced by glutamine, an amino acid with highly similar properties. This amino acid position is conserved. In addition, the in silico prediction for this alteration is inconclusive. Since supporting evidence is limited at this time, the clinical significance of this alteration remains unclear.